The following is an entry in ClinVar:

NM_005069.6(SIM2):c.1761G>A (p.Glu587=)

Genes: SIM2 (SIM bHLH transcription factor 2; plus strand), LOC130066635 (ATAC-STARR-seq lymphoblastoid silent region 13289; plus strand). Cytogenetic location: 21q22.13.
Variant type: single nucleotide variant.
Coding change: c.1761G>A on transcript NM_005069.6 (MANE Select); coding-DNA position 1761, G replaced by A.
Protein change: p.Glu587=; no amino-acid change (glutamic acid 587 retained).
Molecular consequence: synonymous variant.
Genome position (GRCh38, 1-based): chr21:36,747,849, G>A. VCF-style: chr21-36747849-G-A. GRCh37 (hg19) VCF-style: chr21-38120150-G-A.
Identifiers: ClinVar variation 4822751 (VCV004822751.4).

ClinVar aggregate classification (germline): Likely benign (1 of 4 stars; one submission).

gnomAD v4.1: 3 of 1,037,770 alleles (0.00029%); highest among the groups gnomAD compares: Non-Finnish European, 0.00035%; no homozygotes.

Submission:

CeGaT Center for Human Genetics Tuebingen
Classification: Likely benign. Last evaluated: 2026-02-01. Review status: criteria provided, single submitter. Criteria: CeGaT Center For Human Genetics Tuebingen Variant Classification Criteria Version 2. Collection method: clinical testing. Allele origin: germline. Affected: yes. Observed: 1 variant allele.
Comment: SIM2: BP4, BP7